The following is an entry in ClinVar:

ClinVar aggregate classification (germline): Uncertain significance (1 of 4 stars; one submission).

Submission:

Labcorp Genetics (formerly Invitae), Labcorp
Classification: Uncertain significance. Last evaluated: 2022-07-27. Review status: criteria provided, single submitter. Criteria: Invitae Variant Classification Sherloc (09022015). Collection method: clinical testing. Allele origin: germline.
Comment: In summary, the available evidence is currently insufficient to determine the role of this variant in disease. Therefore, it has been classified as a Variant of Uncertain Significance. Algorithms developed to predict the effect of missense changes on protein structure and function (SIFT, PolyPhen-2, Align-GVGD) all suggest that this variant is likely to be disruptive. ClinVar contains an entry for this variant (Variation ID: 1017678). This variant has not been reported in the literature in individuals affected with AUTS2-related conditions. This variant is not present in population databases (gnomAD no frequency). This sequence change replaces alanine, which is neutral and non-polar, with threonine, which is neutral and polar, at codon 651 of the AUTS2 protein (p.Ala651Thr).

NM_015570.4(AUTS2):c.1951G>A (p.Ala651Thr)

Gene: AUTS2 (activator of transcription and developmental regulator AUTS2; plus strand). Cytogenetic location: 7q11.22.
Variant type: single nucleotide variant.
Coding change: c.1951G>A on transcript NM_015570.4 (MANE Select); coding-DNA position 1951, G replaced by A.
Protein change: p.Ala651Thr; replaces alanine 651 with threonine.
Molecular consequence: missense variant.
Genome position (GRCh38, 1-based): chr7:70,777,121, G>A. VCF-style: chr7-70777121-G-A. GRCh37 (hg19) VCF-style: chr7-70242107-G-A.
Other names: c.1879G>A, p.Ala627Thr (NM_001127231.3); short protein forms A627T, A651T.
Identifiers: ClinVar variation 1017678 (VCV001017678.8), dbSNP rs1790754677, ClinGen allele CA367669752.
Genomic context (GRCh38, chr7:70,777,121, plus strand): 5'-GAAATGTCTTCCTCCTAACCACGTTGCTCTTTCTTGTTCCAGAAACCAGGGAAGTGGTGT[G>A]CTATGCATGTTCACATCGCCTGGCAGATTTACCACCACCAACAGAAAGTCAAGGTCAGTC-3'
Protein context (NP_056385.1, residues 641-661): PMLRKPGKWC[Ala651Thr]MHVHIAWQIY